The following is an entry in ClinVar:

NM_001376571.1(MADD):c.4307G>A (p.Arg1436Gln)

Gene: MADD (MAP kinase activating death domain; plus strand). Cytogenetic location: 11p11.2.
Variant type: single nucleotide variant.
Coding change: c.4307G>A on transcript NM_001376571.1 (MANE Select); coding-DNA position 4307, G replaced by A.
Protein change: p.Arg1436Gln; replaces arginine 1436 with glutamine.
Molecular consequence: missense variant. On other transcripts: non-coding transcript variant (8), intron variant (1).
Genome position (GRCh38, 1-based): chr11:47,315,257, G>A. VCF-style: chr11-47315257-G-A. GRCh37 (hg19) VCF-style: chr11-47336808-G-A.
Other names: c.3998G>A, p.Arg1333Gln (NM_001135943.2); c.3989G>A, p.Arg1330Gln (NM_001135944.2, NM_001376618.1, NM_001376619.1 and 2 more transcripts); c.4295G>A, p.Arg1432Gln (NM_001376572.1, NM_001376573.1, NM_001376599.1 and 2 more transcripts); c.4253G>A, p.Arg1418Gln (NM_001376574.1, NM_001376605.1); c.4247G>A, p.Arg1416Gln (NM_001376575.1); c.4235G>A, p.Arg1412Gln (NM_001376576.1, NM_001376577.1, NM_001376610.1); c.4208G>A, p.Arg1403Gln (NM_001376578.1); c.4181G>A, p.Arg1394Gln (NM_001376579.1, NM_001376580.1, NM_001376622.1 and 1 more transcripts); and 43 more; short protein forms R1296Q, R1303Q, R1334Q, R1343Q, R1344Q, R1371Q, R1375Q, R1378Q.
Identifiers: ClinVar variation 4795780 (VCV004795780.1).

ClinVar aggregate classification (germline): Uncertain significance (1 of 4 stars; one submission).

gnomAD v4.1: 106 of 1,613,778 alleles (0.0066%); highest among the groups gnomAD compares: Middle Eastern, 0.25%; 1 homozygote.

Submission:

GeneDx
Classification: Uncertain significance. Last evaluated: 2025-08-15. Review status: criteria provided, single submitter. Criteria: GeneDx Variant Classification Process June 2021. Collection method: clinical testing. Allele origin: germline. Affected: yes.
Comment: Observed in homozygous state in siblings with profound developmental delay, hypotonia, seizures, abnormal brain imaging, and respiratory failure in published literature (PMID: 38459224); In silico analysis supports that this missense variant has a deleterious effect on protein structure/function; This variant is associated with the following publications: (PMID: 38459224)